The following is an entry in ClinVar:

ClinVar aggregate classification (germline): Likely benign (1 of 4 stars; one submission).

Conditions:
H3-3B-related disorder. Also called: H3-3B-related condition.

gnomAD v4.1: 1,123 of 1,614,164 alleles (0.07%); highest among the groups gnomAD compares: Non-Finnish European, 0.089%; no homozygotes.

Submission:

PreventionGenetics, part of Exact Sciences
Classification: Likely benign for H3-3B-related condition. Last evaluated: 2026-05-16. Review status: criteria provided, single submitter. Criteria: ACMG Guidelines, 2015. Collection method: clinical testing. Allele origin: germline.
Comment: This variant is classified as likely benign based on ACMG/AMP sequence variant interpretation guidelines (Richards et al. 2015 PMID: 25741868, with internal and published modifications).

NM_005324.5(H3-3B):c.283-9C>T

Gene: H3-3B (H3.3 histone B; minus strand). Cytogenetic location: 17q25.1.
Variant type: single nucleotide variant.
Coding change: c.283-9C>T on transcript NM_005324.5 (MANE Select); 9 bases into the intron before coding-DNA position 283, C replaced by T.
Molecular consequence: intron variant.
Genome position (GRCh38, 1-based): chr17:75,778,732, G>A on the plus strand (C>T on the coding strand, the complement: H3-3B is on the minus strand). VCF-style: chr17-75778732-G-A. GRCh37 (hg19) VCF-style: chr17-73774813-G-A.
Identifiers: ClinVar variation 4985797 (VCV004985797.1).